The following is an entry in ClinVar:

NM_016203.4(PRKAG2):c.933A>C (p.Lys311Asn)

Gene: PRKAG2 (protein kinase AMP-activated non-catalytic subunit gamma 2; minus strand). Cytogenetic location: 7q36.1.
Variant type: single nucleotide variant.
Coding change: c.933A>C on transcript NM_016203.4 (MANE Select); coding-DNA position 933, A replaced by C.
Protein change: p.Lys311Asn; replaces lysine 311 with asparagine.
Molecular consequence: missense variant.
Genome position (GRCh38, 1-based): chr7:151,576,384, T>G on the plus strand (A>C on the coding strand, the complement: PRKAG2 is on the minus strand). VCF-style: chr7-151576384-T-G. GRCh37 (hg19) VCF-style: chr7-151273470-T-G.
Other names: c.801A>C, p.Lys267Asn (NM_001040633.2, NM_001407024.1); c.558A>C, p.Lys186Asn (NM_001304527.2, NM_001407029.1); c.210A>C, p.Lys70Asn (NM_001304531.2, NM_001407034.1, NM_001407035.1 and 1 more transcripts); c.561A>C, p.Lys187Asn (NM_001363698.2, NM_001407028.1); c.933A>C, p.Lys311Asn (NM_001407021.1); c.930A>C, p.Lys310Asn (NM_001407022.1, NM_001407023.1); c.798A>C, p.Lys266Asn (NM_001407026.1, NM_001407027.1); c.645A>C, p.Lys215Asn (NM_001407030.1); and 6 more; short protein forms K186N, K187N, K203N, K205N, K214N, K215N, K266N, K267N.
Identifiers: ClinVar variation 3894382 (VCV003894382.2).
Genomic context (GRCh38, chr7:151,576,384, plus strand): 5'-CTTTCAAGGTTTCCATTTTCGATTTTCCTCAGGCCCACACTGCTTACCTACAAAACTTTG[T>G]TTTTTACTCTCCCACAGTGGCGCTGCTCGGACACCGTTGGCTACCAAAGCAAAGAAGGCC-3'
Protein context (NP_057287.2, residues 301-321): VRAAPLWESK[Lys311Asn]QSFVGMLTIT

ClinVar aggregate classification (germline): Uncertain significance. Review status: criteria provided, multiple submitters, no conflicts (2 of 4 stars). 2 submissions from 2 submitters: Uncertain significance (2). Last evaluated 2023-08-31.

Conditions:
Cardiomyopathy (CMYO). Also called: Cardiomyopathies. Identifiers: Orphanet 167848, MedGen C0878544, MONDO:0004994, HP:0001638. Inheritance: Various modes of inheritance.

gnomAD v4.1: 15 of 1,608,492 alleles (0.00093%); highest among the groups gnomAD compares: Non-Finnish European, 0.0013%; no homozygotes.

Submissions (2):

Color Diagnostics, LLC DBA Color Health
Classification: Uncertain significance for Cardiomyopathy. Last evaluated: 2023-08-31. Review status: criteria provided, single submitter. Criteria: ACMG Guidelines, 2015. Collection method: clinical testing. Allele origin: germline.
Comment: This missense variant replaces lysine with asparagine at codon 311 of the PRKAG2 protein. Computational prediction suggests that this variant may not impact protein structure and function (internally defined REVEL score threshold <= 0.5, PMID: 27666373). To our knowledge, functional studies have not been reported for this variant. This variant has not been reported in individuals affected with PRKAG2-related disorders in the literature. This variant has not been identified in the general population by the Genome Aggregation Database (gnomAD). The available evidence is insufficient to determine the role of this variant in disease conclusively. Therefore, this variant is classified as a Variant of Uncertain Significance.

Blueprint Genetics
Classification: Uncertain significance. Last evaluated: 2023-06-07. Review status: criteria provided, single submitter. Criteria: ACMG Guidelines, 2015. Collection method: clinical testing. Allele origin: germline.